The following is an entry in ClinVar:

NM_138927.4(SON):c.3864T>G (p.Thr1288=)

Gene: SON (SON DNA and RNA binding protein; plus strand). Cytogenetic location: 21q22.11.
Variant type: single nucleotide variant.
Coding change: c.3864T>G on transcript NM_138927.4 (MANE Select); coding-DNA position 3864, T replaced by G.
Protein change: p.Thr1288=; no amino-acid change (threonine 1288 retained).
Molecular consequence: synonymous variant. On other transcripts: non-coding transcript variant (1), intron variant (1).
Genome position (GRCh38, 1-based): chr21:33,553,095, T>G. VCF-style: chr21-33553095-T-G. GRCh37 (hg19) VCF-style: chr21-34925401-T-G.
Other names: c.3864T>G, p.Thr1288= (NM_001291411.2, NM_032195.3); c.245-4061T>G (NM_001291412.3).
Identifiers: ClinVar variation 1657480 (VCV001657480.32), dbSNP rs151242933, ClinGen allele CA320152677.
Genomic context (GRCh38, chr21:33,553,095, plus strand): 5'-AGTAGCAGAAGAACATGAAGTTGTTCCAGAGAGACCAGTGACTTGTATGGTATCTGAAAC[T>G]CCCGCCATGTCAGCTGAACCAACTGTGTTAGCATCAGAGCCTCCTGTTATGTCAGAGACA-3'
Protein context (NP_620305.3, residues 1278-1298): ERPVTCMVSE[Thr1288=]PAMSAEPTVL

ClinVar aggregate classification (germline): Likely benign. Review status: criteria provided, multiple submitters, no conflicts (2 of 4 stars). 2 submissions from 2 submitters: Likely benign (2). Last evaluated 2024-04-20.

Allele frequency attached by ClinVar (database versions not stated): gnomAD 0.00001; gnomAD exomes 0.00001; TOPMed 0.00001; ESP Exome Variant Server 0.00015.
gnomAD v4.1: 20 of 1,613,902 alleles (0.0012%); highest among the groups gnomAD compares: Non-Finnish European, 0.0017%; no homozygotes.

Submissions (2):

Labcorp Genetics (formerly Invitae), Labcorp
Classification: Likely benign. Last evaluated: 2024-04-20. Review status: criteria provided, single submitter. Criteria: Invitae Variant Classification Sherloc (09022015). Collection method: clinical testing. Allele origin: germline.

CeGaT Center for Human Genetics Tuebingen
Classification: Likely benign. Last evaluated: 2023-12-01. Review status: criteria provided, single submitter. Criteria: CeGaT Center For Human Genetics Tuebingen Variant Classification Criteria Version 2. Collection method: clinical testing. Allele origin: germline. Affected: yes. Observed: 2 variant alleles.
Comment: SON: BP4